The following is an entry in ClinVar:

ClinVar aggregate classification (germline): Uncertain significance (1 of 4 stars; one submission).

Conditions:
Peroxisome biogenesis disorder. Identifiers: Orphanet 79189, MedGen C1832200, MONDO:0019234. Disease mechanism: loss of function.

Submission:

Labcorp Genetics (formerly Invitae), Labcorp
Classification: Uncertain significance for Peroxisome biogenesis disorder. Last evaluated: 2023-10-03. Review status: criteria provided, single submitter. Criteria: Invitae Variant Classification Sherloc (09022015). Collection method: clinical testing. Allele origin: germline.
Comment: This sequence change replaces leucine, which is neutral and non-polar, with methionine, which is neutral and non-polar, at codon 944 of the PEX6 protein (p.Leu944Met). This variant is not present in population databases (gnomAD no frequency). This variant has not been reported in the literature in individuals affected with PEX6-related conditions. ClinVar contains an entry for this variant (Variation ID: 1346508). Advanced modeling of protein sequence and biophysical properties (such as structural, functional, and spatial information, amino acid conservation, physicochemical variation, residue mobility, and thermodynamic stability) has been performed at Invitae for this missense variant, however the output from this modeling did not meet the statistical confidence thresholds required to predict the impact of this variant on PEX6 protein function. In summary, the available evidence is currently insufficient to determine the role of this variant in disease. Therefore, it has been classified as a Variant of Uncertain Significance.

NM_000287.4(PEX6):c.2830C>A (p.Leu944Met)

Gene: PEX6 (peroxisomal biogenesis factor 6; minus strand). Cytogenetic location: 6p21.1.
Variant type: single nucleotide variant.
Coding change: c.2830C>A on transcript NM_000287.4 (MANE Select); coding-DNA position 2830, C replaced by A.
Protein change: p.Leu944Met; replaces leucine 944 with methionine.
Molecular consequence: missense variant. On other transcripts: non-coding transcript variant (1).
Genome position (GRCh38, 1-based): chr6:42,964,448, G>T on the plus strand (C>A on the coding strand, the complement: PEX6 is on the minus strand). VCF-style: chr6-42964448-G-T. GRCh37 (hg19) VCF-style: chr6-42932186-G-T.
Other names: c.2566C>A, p.Leu856Met (NM_001316313.2); short protein forms L856M, L944M.
Identifiers: ClinVar variation 1346508 (VCV001346508.7), dbSNP rs2063704023, ClinGen allele CA364149999.